The following is an entry in ClinVar:

NM_001348484.3(RIMS2):c.2367C>T (p.Ser789=)

Gene: RIMS2 (regulating synaptic membrane exocytosis 2; plus strand). Cytogenetic location: 8q22.3.
Variant type: single nucleotide variant.
Coding change: c.2367C>T on transcript NM_001348484.3 (MANE Select); coding-DNA position 2367, C replaced by T.
Protein change: p.Ser789=; no amino-acid change (serine 789 retained).
Molecular consequence: synonymous variant. On other transcripts: non-coding transcript variant (2).
Genome position (GRCh38, 1-based): chr8:103,921,682, C>T. VCF-style: chr8-103921682-C-T. GRCh37 (hg19) VCF-style: chr8-104933910-C-T.
Other names: c.2094C>T, p.Ser698= (NM_001100117.3, NM_001348485.2, NM_001348489.2 and 1 more transcripts); c.1659C>T, p.Ser553= (NM_001282881.2, NM_001348505.2); c.2247C>T, p.Ser749= (NM_001348486.2); c.2106C>T, p.Ser702= (NM_001348487.2, NM_001348490.2, NM_001348492.2 and 2 more transcripts); c.2226C>T, p.Ser742= (NM_001348488.2, NM_001395653.1, NM_001395654.1); c.2355C>T, p.Ser785= (NM_001348491.2); c.2235C>T, p.Ser745= (NM_001348494.2, NM_001348497.2); c.2136C>T, p.Ser712= (NM_001348495.2); and 1 more.
Identifiers: ClinVar variation 718153 (VCV000718153.30), dbSNP rs138369781, ClinGen allele CA4836978.
Genomic context (GRCh38, chr8:103,921,682, plus strand): 5'-ACTTGTGAAGAGCCATTGTTATTATTCGTTATGTGTAATTATCGTTTCAGGTTCTAGCTC[C>T]TTTGAATCTCAAAAAATGGATCGTCCTTCTATTTCTGTTACCTCTCCCATGAGTCCTGGA-3'
Protein context (NP_001335413.1, residues 779-799): THAQLESSSS[Ser789=]FESQKMDRPS

ClinVar aggregate classification (germline): Benign/Likely benign. Review status: criteria provided, multiple submitters, no conflicts (2 of 4 stars). 3 submissions from 3 submitters: Benign (1); Likely benign (2). Last evaluated 2025-08-01.

Allele frequency attached by ClinVar (database versions not stated): 1000 Genomes Project 30x 0.00094; 1000 Genomes Project 0.00100; TOPMed 0.00183; gnomAD exomes 0.00226 and 0.00278; gnomAD 0.00233 and 0.00238; ExAC 0.00252; ESP Exome Variant Server 0.00328.
gnomAD v4.1: 3,851 of 1,420,926 alleles (0.27%); highest among the groups gnomAD compares: Non-Finnish European, 0.32%; 7 homozygotes.

Submissions (3):

CeGaT Center for Human Genetics Tuebingen
Classification: Likely benign. Last evaluated: 2025-08-01. Review status: criteria provided, single submitter. Criteria: CeGaT Center For Human Genetics Tuebingen Variant Classification Criteria Version 2. Collection method: clinical testing. Allele origin: germline. Affected: yes. Observed: 4 variant alleles.
Comment: RIMS2: BP4, BP7

Blueprint Genetics
Classification: Likely benign. Last evaluated: 2024-11-27. Review status: criteria provided, single submitter. Criteria: ACMG Guidelines, 2015. Collection method: clinical testing. Allele origin: germline.

Labcorp Genetics (formerly Invitae), Labcorp
Classification: Benign. Last evaluated: 2019-12-31. Review status: criteria provided, single submitter. Criteria: Invitae Variant Classification Sherloc (09022015). Collection method: clinical testing. Allele origin: germline.